The following is an entry in ClinVar:

NM_001377299.1(NDUFS2):c.381G>C (p.Lys127Asn)

Gene: NDUFS2 (NADH:ubiquinone oxidoreductase core subunit S2; plus strand). Cytogenetic location: 1q23.3.
Variant type: single nucleotide variant.
Coding change: c.381G>C on transcript NM_001377299.1 (MANE Select); coding-DNA position 381, G replaced by C.
Protein change: p.Lys127Asn; replaces lysine 127 with asparagine.
Molecular consequence: missense variant. On other transcripts: non-coding transcript variant (1).
Genome position (GRCh38, 1-based): chr1:161,206,585, G>C. VCF-style: chr1-161206585-G-C. GRCh37 (hg19) VCF-style: chr1-161176375-G-C.
Other names: c.381G>C, p.Lys127Asn (NM_001166159.2, NM_001377298.1, NM_001377300.1 and 4 more transcripts); short protein forms K127N.
Identifiers: ClinVar variation 5016689 (VCV005016689.1).

ClinVar aggregate classification (germline): Uncertain significance (1 of 4 stars; one submission).

Submission:

GeneDx
Classification: Uncertain significance. Last evaluated: 2026-04-08. Review status: criteria provided, single submitter. Criteria: GeneDx Variant Classification Process June 2021. Collection method: clinical testing. Allele origin: germline.
Comment: Not observed at significant frequency in large population cohorts (gnomAD); In silico analysis supports that this missense variant has a deleterious effect on protein structure/function; Has not been previously published as pathogenic or benign to our knowledge